The following is an entry in ClinVar:

NM_017433.5(MYO3A):c.1580A>G (p.His527Arg)

Gene: MYO3A (myosin IIIA; plus strand). Cytogenetic location: 10p12.1.
Variant type: single nucleotide variant.
Coding change: c.1580A>G on transcript NM_017433.5 (MANE Select); coding-DNA position 1580, A replaced by G.
Protein change: p.His527Arg; replaces histidine 527 with arginine.
Molecular consequence: missense variant.
Genome position (GRCh38, 1-based): chr10:26,096,398, A>G. VCF-style: chr10-26096398-A-G. GRCh37 (hg19) VCF-style: chr10-26385327-A-G.
Other names: short protein forms H527R.
Identifiers: ClinVar variation 1329614 (VCV001329614.3), dbSNP rs769196672, ClinGen allele CA5444718.

ClinVar aggregate classification (germline): Uncertain significance. Review status: criteria provided, multiple submitters, no conflicts (2 of 4 stars). 2 submissions from 2 submitters: Uncertain significance (2). Last evaluated 2026-08-31.

Conditions:
Inborn genetic diseases. Identifiers: MedGen C0950123, MeSH D030342.

Allele frequency attached by ClinVar (database versions not stated): gnomAD exomes below 0.00001; TOPMed below 0.00001; ExAC 0.00001.
gnomAD v4.1: 5 of 1,612,102 alleles (0.00031%); highest among the groups gnomAD compares: Admixed American, 0.0017%; no homozygotes.

Submissions (2):

Ambry Genetics
Classification: Uncertain significance for Inborn genetic diseases. Last evaluated: 2026-08-31. Review status: criteria provided, single submitter. Criteria: Ambry Variant Classification Scheme 2023. Collection method: clinical testing. Allele origin: germline.

GeneDx
Classification: Uncertain significance. Last evaluated: 2021-06-25. Review status: criteria provided, single submitter. Criteria: GeneDx Variant Classification Process June 2021. Collection method: clinical testing. Allele origin: germline. Affected: yes.
Comment: Not observed at significant frequency in large population cohorts (Lek et al., 2016); In silico analysis supports that this missense variant has a deleterious effect on protein structure/function; Has not been previously published as pathogenic or benign to our knowledge; This variant is associated with the following publications: (PMID: 27535533)